The following is an entry in ClinVar:

ClinVar aggregate classification (germline): Uncertain significance (1 of 4 stars; one submission).

Conditions:
Catecholaminergic polymorphic ventricular tachycardia (CVPT). Also called: Catecholamine-induced polymorphic ventricular tachycardia. Identifiers: Orphanet 3286, MedGen C5574922, MONDO:0017990.

Submission:

All of Us Research Program, National Institutes of Health
Classification: Uncertain significance for Catecholaminergic polymorphic ventricular tachycardia. Last evaluated: 2023-12-18. Review status: criteria provided, single submitter. Criteria: ACMG Guidelines, 2015. Collection method: clinical testing. Allele origin: germline. Inheritance: Autosomal dominant inheritance. Observed: 2 variant alleles, 2 heterozygotes.
Comment: This missense variant replaces valine with phenylalanine at codon 4730 of the RYR2 protein. Computational prediction is inconclusive regarding the impact of this variant on protein structure and function (internally defined REVEL score threshold 0.5 < inconclusive < 0.7, PMID: 27666373). To our knowledge, functional studies have not been reported for this variant. This variant has not been reported in individuals affected with RYR2-related disorders in the literature. This variant has not been identified in the general population by the Genome Aggregation Database (gnomAD). The available evidence is insufficient to determine the role of this variant in disease conclusively. Therefore, this variant is classified as a Variant of Uncertain Significance.

This study involves interpretation of variants in research participants for the purpose of population health screening. Participant phenotype was not available at the time of variant classification. Additional details can be found in publication PMID: 35346344, PMCID: PMC8962531

NM_001035.3(RYR2):c.14188G>T (p.Val4730Phe)

Gene: RYR2 (ryanodine receptor 2; plus strand). Cytogenetic location: 1q43.
Variant type: single nucleotide variant.
Coding change: c.14188G>T on transcript NM_001035.3 (MANE Select); coding-DNA position 14188, G replaced by T.
Protein change: p.Val4730Phe; replaces valine 4730 with phenylalanine.
Molecular consequence: missense variant.
Genome position (GRCh38, 1-based): chr1:237,806,173, G>T. VCF-style: chr1-237806173-G-T. GRCh37 (hg19) VCF-style: chr1-237969473-G-T.
Other names: short protein forms V4730F.
Identifiers: ClinVar variation 3073514 (VCV003073514.1), dbSNP rs1248752684, ClinGen allele CA345422772.